The following is an entry in ClinVar:

NM_001330260.2(SCN8A):c.3327C>T (p.Asn1109=)

Gene: SCN8A (sodium voltage-gated channel alpha subunit 8; plus strand). Cytogenetic location: 12q13.13.
Variant type: single nucleotide variant.
Coding change: c.3327C>T on transcript NM_001330260.2 (MANE Select); coding-DNA position 3327, C replaced by T.
Protein change: p.Asn1109=; no amino-acid change (asparagine 1109 retained).
Molecular consequence: synonymous variant.
Genome position (GRCh38, 1-based): chr12:51,769,290, C>T. VCF-style: chr12-51769290-C-T. GRCh37 (hg19) VCF-style: chr12-52163074-C-T.
Other names: c.3327C>T, p.Asn1109= (NM_001177984.3, NM_001369788.1, NM_014191.4).
Identifiers: ClinVar variation 590004 (VCV000590004.54), dbSNP rs1349215930, ClinGen allele CA480061450.

ClinVar aggregate classification (germline): Conflicting classifications of pathogenicity. Review status: criteria provided, conflicting classifications (1 of 4 stars). 4 submissions from 4 submitters: Uncertain significance (1); Likely benign (3). Last evaluated 2024-10-31.

Conditions:
Early-infantile DEE. Also called: Early infantile epileptic encephalopathy; Ohtahara syndrome; Early infantile epileptic encephalopathy with suppression bursts. Identifiers: Orphanet 1934, MedGen C0393706, MONDO:0800491.
Inborn genetic diseases. Identifiers: MedGen C0950123, MeSH D030342.

Allele frequency attached by ClinVar (database versions not stated): gnomAD exomes below 0.00001; gnomAD 0.00001; TOPMed 0.00001.
gnomAD v4.1: 6 of 1,606,842 alleles (0.00037%); highest among the groups gnomAD compares: Non-Finnish European, 0.00051%; no homozygotes.

Submissions (4):

Labcorp Genetics (formerly Invitae), Labcorp
Classification: Likely benign for Early-infantile DEE. Last evaluated: 2024-10-31. Review status: criteria provided, single submitter. Criteria: Invitae Variant Classification Sherloc (09022015). Collection method: clinical testing. Allele origin: germline.

GeneDx
Classification: Likely benign. Last evaluated: 2018-03-16. Review status: criteria provided, single submitter. Criteria: GeneDx Variant Classification (06012015). Collection method: clinical testing. Allele origin: germline. Affected: yes.
Comment: This variant is considered likely benign or benign based on one or more of the following criteria: it is a conservative change, it occurs at a poorly conserved position in the protein, it is predicted to be benign by multiple in silico algorithms, and/or has population frequency not consistent with disease.

Ambry Genetics
Classification: Likely benign for Inborn genetic diseases. Last evaluated: 2017-01-12. Review status: criteria provided, single submitter. Criteria: Ambry Variant Classification Scheme 2023. Collection method: clinical testing. Allele origin: germline.

CeGaT Center for Human Genetics Tuebingen
Classification: Uncertain significance. Last evaluated: 2016-05-01. Review status: criteria provided, single submitter. Criteria: CeGaT Center For Human Genetics Tuebingen Variant Classification Criteria Version 2. Collection method: clinical testing. Allele origin: germline. Affected: yes. Observed: 1 variant allele.